The following is an entry in ClinVar:

ClinVar aggregate classification (germline): Uncertain significance. Review status: criteria provided, multiple submitters, no conflicts (2 of 4 stars). 2 submissions from 2 submitters: Uncertain significance (2). Last evaluated 2024-10-19.

Conditions:
Inborn genetic diseases. Identifiers: MedGen C0950123, MeSH D030342.

Allele frequency attached by ClinVar (database versions not stated): gnomAD exomes below 0.00001.
gnomAD v4.1: 2 of 1,576,042 alleles (0.00013%); highest among the groups gnomAD compares: Non-Finnish European, 0.00017%; no homozygotes.

Submissions (2):

Ambry Genetics
Classification: Uncertain significance for Inborn genetic diseases. Last evaluated: 2024-10-19. Review status: criteria provided, single submitter. Criteria: Ambry Variant Classification Scheme 2023. Collection method: clinical testing. Allele origin: germline.

GeneDx
Classification: Uncertain significance. Last evaluated: 2022-12-20. Review status: criteria provided, single submitter. Criteria: GeneDx Variant Classification Process June 2021. Collection method: clinical testing. Allele origin: germline. Affected: yes.
Comment: Not observed at significant frequency in large population cohorts (gnomAD); In silico analysis supports that this missense variant has a deleterious effect on protein structure/function; Has not been previously published as pathogenic or benign to our knowledge

NM_002941.4(ROBO1):c.621T>A (p.Asp207Glu)

Gene: ROBO1 (roundabout guidance receptor 1; minus strand). Cytogenetic location: 3p12.3.
Variant type: single nucleotide variant.
Coding change: c.621T>A on transcript NM_002941.4 (MANE Select); coding-DNA position 621, T replaced by A.
Protein change: p.Asp207Glu; replaces aspartic acid 207 with glutamic acid.
Molecular consequence: missense variant.
Genome position (GRCh38, 1-based): chr3:78,746,779, A>T on the plus strand (T>A on the coding strand, the complement: ROBO1 is on the minus strand). VCF-style: chr3-78746779-A-T. GRCh37 (hg19) VCF-style: chr3-78795929-A-T.
Other names: c.504T>A, p.Asp168Glu (NM_001145844.1, NM_001145845.2, NM_133631.4); short protein forms D168E, D207E.
Identifiers: ClinVar variation 2506679 (VCV002506679.2), dbSNP rs2545633640, ClinGen allele CA353679829.